The following is an entry in ClinVar:

NM_001356.5(DDX3X):c.1504G>A (p.Ala502Thr)

Gene: DDX3X (DEAD-box helicase 3 X-linked; plus strand). Cytogenetic location: Xp11.4.
Variant type: single nucleotide variant.
Coding change: c.1504G>A on transcript NM_001356.5 (MANE Select); coding-DNA position 1504, G replaced by A.
Protein change: p.Ala502Thr; replaces alanine 502 with threonine.
Molecular consequence: missense variant. On other transcripts: non-coding transcript variant (1).
Genome position (GRCh38, 1-based): chrX:41,346,511, G>A. VCF-style: chrX-41346511-G-A. GRCh37 (hg19) VCF-style: chrX-41205764-G-A.
Other names: c.1504G>A, p.Ala502Thr (NM_001193416.3); c.1456G>A, p.Ala486Thr (NM_001193417.3); c.946G>A, p.Ala316Thr (NM_001363819.1); short protein forms A486T, A502T, A316T.
Identifiers: ClinVar variation 1971584 (VCV001971584.5), dbSNP rs2519524038, ClinGen allele CA412776104.

ClinVar aggregate classification (germline): Pathogenic (1 of 4 stars; one submission).

Submission:

Labcorp Genetics (formerly Invitae), Labcorp
Classification: Pathogenic. Last evaluated: 2022-09-16. Review status: criteria provided, single submitter. Criteria: Invitae Variant Classification Sherloc (09022015). Collection method: clinical testing. Allele origin: germline.
Comment: This sequence change replaces alanine, which is neutral and non-polar, with threonine, which is neutral and polar, at codon 502 of the DDX3X protein (p.Ala502Thr). This variant is not present in population databases (gnomAD no frequency). For these reasons, this variant has been classified as Pathogenic. Algorithms developed to predict the effect of sequence changes on RNA splicing suggest that this variant may disrupt the consensus splice site. Algorithms developed to predict the effect of missense changes on protein structure and function are either unavailable or do not agree on the potential impact of this missense change (SIFT: "Deleterious"; PolyPhen-2: "Not Available"; Align-GVGD: "Class C55"). This missense change has been observed in individual(s) with clinical features of DDX3X-related conditions (Invitae). In at least one individual the variant was observed to be de novo.